The following is an entry in ClinVar:

NC_000020.10:g.(?_50400804)_(50401243_?)del

Gene: SALL4 (spalt like transcription factor 4; minus strand). Cytogenetic location: 20q13.2.
Variant type: Deletion.
Identifiers: ClinVar variation 2426552 (VCV002426552.4).

ClinVar aggregate classification (germline): Likely pathogenic (1 of 4 stars; one submission).

Conditions:
Duane-radial ray syndrome (DRRS). Also called: ACRORENOOCULAR SYNDROME; DR SYNDROME; DUANE ANOMALY WITH RADIAL RAY ABNORMALITIES AND DEAFNESS; Duane-Radial Ray Syndrome (DRRS) / Okihiro Syndrome; Okihiro Syndrome; Duane-Radial Ray Syndrome/Okihiro Syndrome. Identifiers: Orphanet 93293, Orphanet 959, MedGen C1623209, MONDO:0011812, OMIM 607323. Disease mechanism: gain of function.

Submission:

Labcorp Genetics (formerly Invitae), Labcorp
Classification: Likely pathogenic for Duane-radial ray syndrome. Last evaluated: 2022-03-27. Review status: criteria provided, single submitter. Criteria: Invitae Variant Classification Sherloc (09022015). Collection method: clinical testing. Allele origin: germline.
Comment: In summary, the currently available evidence indicates that the variant is pathogenic, but additional data are needed to prove that conclusively. Therefore, this variant has been classified as Likely Pathogenic. Experimental studies and prediction algorithms are not available or were not evaluated, and the functional significance of this variant is currently unknown. A similar copy number variant has been observed in individuals with Duane-radial ray syndrome (PMID: 15342710; Invitae). This variant is a gross deletion of the genomic region encompassing exon(s) 4 of the SALL4 gene, which includes the termination codon. This deletion extends beyond the assayed region for this gene and therefore may encompass additional genes. While this deletion is not anticipated to lead to nonsense mediated decay, it is expected to alter mRNA translation or result in a truncated protein product.

Literature cited by the submitters: PubMed 15342710.